The following is an entry in ClinVar:

ClinVar aggregate classification (germline): Uncertain significance (1 of 4 stars; one submission).

Conditions:
Spastic paraplegia. Identifiers: MedGen C0037772, HP:0001258.

Submission:

Labcorp Genetics (formerly Invitae), Labcorp
Classification: Uncertain significance for Spastic paraplegia. Last evaluated: 2025-03-19. Review status: criteria provided, single submitter. Criteria: Invitae Variant Classification Sherloc (09022015). Collection method: clinical testing. Allele origin: germline.
Comment: This sequence change creates a premature translational stop signal (p.Gln226*) in the ARSI gene. While this is not anticipated to result in nonsense mediated decay, it is expected to disrupt the last 344 amino acid(s) of the ARSI protein. This variant is present in population databases (rs768153671, gnomAD 0.008%). This variant has not been reported in the literature in individuals affected with ARSI-related conditions. Algorithms developed to predict the effect of sequence changes on RNA splicing suggest that this variant may create or strengthen a splice site. In summary, the available evidence is currently insufficient to determine the role of this variant in disease. Therefore, it has been classified as a Variant of Uncertain Significance.

NM_001012301.4(ARSI):c.676C>T (p.Gln226Ter)

Gene: ARSI (arylsulfatase family member I; minus strand). Cytogenetic location: 5q32.
Variant type: single nucleotide variant.
Coding change: c.676C>T on transcript NM_001012301.4 (MANE Select); coding-DNA position 676, C replaced by T.
Protein change: p.Gln226Ter; replaces glutamine 226 with a stop codon.
Molecular consequence: nonsense.
Genome position (GRCh38, 1-based): chr5:150,298,248, G>A on the plus strand (C>T on the coding strand, the complement: ARSI is on the minus strand). VCF-style: chr5-150298248-G-A. GRCh37 (hg19) VCF-style: chr5-149677811-G-A.
Other names: short protein forms Q226*.
Identifiers: ClinVar variation 4751466 (VCV004751466.1).